The following is an entry in ClinVar:

ClinVar aggregate classification (germline): Uncertain significance (1 of 4 stars; one submission).

Submission:

Labcorp Genetics (formerly Invitae), Labcorp
Classification: Uncertain significance. Last evaluated: 2022-10-14. Review status: criteria provided, single submitter. Criteria: Invitae Variant Classification Sherloc (09022015). Collection method: clinical testing. Allele origin: germline.
Comment: ClinVar contains an entry for this variant (Variation ID: 1405818). In summary, the available evidence is currently insufficient to determine the role of this variant in disease. Therefore, it has been classified as a Variant of Uncertain Significance. Algorithms developed to predict the effect of sequence changes on RNA splicing suggest that this variant may disrupt the consensus splice site. This variant has not been reported in the literature in individuals affected with COL9A2-related conditions. This variant is not present in population databases (gnomAD no frequency). This sequence change affects a donor splice site in intron 24 of the COL9A2 gene. It is expected to disrupt RNA splicing. Variants that disrupt the donor or acceptor splice site typically lead to a loss of protein function (PMID: 16199547), however the current clinical and genetic evidence is not sufficient to establish whether loss-of-function variants in COL9A2 cause disease.

Literature cited by the submitters: PubMed 16199547.

NM_001852.4(COL9A2):c.1287+1G>A

Gene: COL9A2 (collagen type IX alpha 2 chain; minus strand). Cytogenetic location: 1p34.2.
Variant type: single nucleotide variant.
Coding change: c.1287+1G>A on transcript NM_001852.4 (MANE Select); the canonical splice donor site of the intron after coding-DNA position 1287, G replaced by A.
Molecular consequence: splice donor variant.
Genome position (GRCh38, 1-based): chr1:40,304,319, C>T on the plus strand (G>A on the coding strand, the complement: COL9A2 is on the minus strand). VCF-style: chr1-40304319-C-T. GRCh37 (hg19) VCF-style: chr1-40769991-C-T.
Identifiers: ClinVar variation 1405818 (VCV001405818.10), dbSNP rs1643985260, ClinGen allele CA339880774.